The following is an entry in ClinVar:

ClinVar aggregate classification (germline): Likely pathogenic (1 of 4 stars; one submission).

Conditions:
Intellectual developmental disorder, autosomal dominant 71, with behavioral abnormalities (MRD71). Identifiers: MedGen C5830437, MONDO:0957228, OMIM 620330.

Submission:

Greenwood Genetic Center Diagnostic Laboratories, Greenwood Genetic Center
Classification: Likely pathogenic for Intellectual developmental disorder, autosomal dominant 71, with behavioral abnormalities. Last evaluated: 2025-12-03. Review status: criteria provided, single submitter. Criteria: ACMG Guidelines, 2015. Collection method: clinical testing. Allele origin: germline. Affected: yes.
Comment: PVS1, PM2

NM_022841.7(RFX7):c.2236C>T (p.Gln746Ter)

Gene: RFX7 (regulatory factor X7; minus strand). Cytogenetic location: 15q21.3.
Variant type: single nucleotide variant.
Coding change: c.2236C>T on transcript NM_022841.7 (MANE Select); coding-DNA position 2236, C replaced by T.
Protein change: p.Gln746Ter; replaces glutamine 746 with a stop codon.
Molecular consequence: nonsense.
Genome position (GRCh38, 1-based): chr15:56,095,492, G>A on the plus strand (C>T on the coding strand, the complement: RFX7 is on the minus strand). VCF-style: chr15-56095492-G-A. GRCh37 (hg19) VCF-style: chr15-56387690-G-A.
Other names: c.1945C>T, p.Gln649Ter (NM_001368073.2, NM_001368074.1, NM_001370554.1); c.2236C>T, p.Gln746Ter (NM_001370561.1); short protein forms Q649*, Q746*.
Identifiers: ClinVar variation 4845504 (VCV004845504.1).